The following is an entry in ClinVar:

NM_016169.4(SUFU):c.1070_1084del (p.Pro357_Ile361del)

Gene: SUFU (SUFU negative regulator of hedgehog signaling; plus strand). Cytogenetic location: 10q24.32.
Variant type: Deletion.
Coding change: c.1070_1084del on transcript NM_016169.4 (MANE Select); coding-DNA positions 1070 to 1084, 15 bases deleted (CCCATGAGCTGATTC).
Protein change: p.Pro357_Ile361del.
Molecular consequence: inframe deletion.
Genome position (GRCh38, 1-based): chr10:102,615,315-102,615,329, CCCATGAGCTGATTC deleted; deleting any 15 consecutive bases within chr10:102,615,311-102,615,329 gives the same sequence; the c. name uses the placement nearest the transcript's 3' end. VCF-style (leftmost placement, unchanged base first): chr10-102615310-CATTCCCCATGAGCTG-C. GRCh37 (hg19) VCF-style: chr10-104375067-CATTCCCCATGAGCTG-C.
Other names: c.1070_1084del, p.Pro357_Ile361del (NM_001178133.2).
Identifiers: ClinVar variation 2033976 (VCV002033976.4), dbSNP rs2492778911, ClinGen allele CA2580081226.

ClinVar aggregate classification (germline): Uncertain significance (1 of 4 stars; one submission).

Conditions:
Gorlin syndrome. Also called: Basal cell nevus syndrome; Nevoid Basal Cell Carcinoma Syndrome. Identifiers: Orphanet 377, MedGen C0004779, MONDO:0007187.
Medulloblastoma (MDB). Also called: Medulloblastoma, somatic; MEDULLOBLASTOMA PREDISPOSITION SYNDROME. Identifiers: Orphanet 616, MedGen C0025149, MeSH D008527, MONDO:0007959, OMIM 155255, HP:0002885.

Submission:

Labcorp Genetics (formerly Invitae), Labcorp
Classification: Uncertain significance for Gorlin syndrome; Medulloblastoma. Last evaluated: 2022-10-04. Review status: criteria provided, single submitter. Criteria: Invitae Variant Classification Sherloc (09022015). Collection method: clinical testing. Allele origin: germline.
Comment: In summary, the available evidence is currently insufficient to determine the role of this variant in disease. Therefore, it has been classified as a Variant of Uncertain Significance. Experimental studies and prediction algorithms are not available or were not evaluated, and the functional significance of this variant is currently unknown. This variant has not been reported in the literature in individuals affected with SUFU-related conditions. This variant is not present in population databases (gnomAD no frequency). This variant, c.1070_1084del, results in the deletion of 5 amino acid(s) of the SUFU protein (p.Pro357_Ile361del), but otherwise preserves the integrity of the reading frame.